The following is an entry in ClinVar:

ClinVar aggregate classification (germline): Conflicting classifications of pathogenicity. Review status: criteria provided, conflicting classifications (1 of 4 stars). 2 submissions from 2 submitters: Uncertain significance (1); Likely benign (1). Last evaluated 2025-03-31.

Conditions:
Hereditary cancer-predisposing syndrome. Also called: Tumor predisposition; Neoplastic Syndromes, Hereditary; Hereditary Cancer Syndrome; Hereditary neoplastic syndrome. Identifiers: Orphanet 140162, MedGen C0027672, MeSH D009386, MONDO:0015356.
Neuroblastoma, susceptibility to, 3. Also called: ALK-Related Neuroblastic Tumor Susceptibility. Identifiers: Orphanet 635, MedGen C2751681, MONDO:0013083, OMIM 613014.

Allele frequency attached by ClinVar (database versions not stated): gnomAD exomes 0.00001.
gnomAD v4.1: 14 of 1,613,870 alleles (0.00087%); highest among the groups gnomAD compares: Non-Finnish European, 0.0012%; no homozygotes.

Submissions (2):

Ambry Genetics
Classification: Likely benign for Hereditary cancer-predisposing syndrome. Last evaluated: 2025-03-31. Review status: criteria provided, single submitter. Criteria: Ambry Variant Classification Scheme 2023. Collection method: clinical testing. Allele origin: germline.

Labcorp Genetics (formerly Invitae), Labcorp
Classification: Uncertain significance for Neuroblastoma, susceptibility to, 3. Last evaluated: 2023-09-03. Review status: criteria provided, single submitter. Criteria: Invitae Variant Classification Sherloc (09022015). Collection method: clinical testing. Allele origin: germline.
Comment: This variant has not been reported in the literature in individuals affected with ALK-related conditions. This sequence change replaces asparagine, which is neutral and polar, with aspartic acid, which is acidic and polar, at codon 324 of the ALK protein (p.Asn324Asp). The frequency data for this variant in the population databases is considered unreliable, as metrics indicate poor data quality at this position in the gnomAD database. ClinVar contains an entry for this variant (Variation ID: 1767932). An algorithm developed to predict the effect of missense changes on protein structure and function (PolyPhen-2) suggests that this variant is likely to be disruptive. In summary, the available evidence is currently insufficient to determine the role of this variant in disease. Therefore, it has been classified as a Variant of Uncertain Significance.

NM_004304.5(ALK):c.970A>G (p.Asn324Asp)

Gene: ALK (ALK receptor tyrosine kinase; minus strand). Cytogenetic location: 2p23.2.
Variant type: single nucleotide variant.
Coding change: c.970A>G on transcript NM_004304.5 (MANE Select); coding-DNA position 970, A replaced by G.
Protein change: p.Asn324Asp; replaces asparagine 324 with aspartic acid.
Molecular consequence: missense variant.
Genome position (GRCh38, 1-based): chr2:29,532,099, T>C on the plus strand (A>G on the coding strand, the complement: ALK is on the minus strand). VCF-style: chr2-29532099-T-C. GRCh37 (hg19) VCF-style: chr2-29754965-T-C.
Other names: short protein forms N324D.
Identifiers: ClinVar variation 1767932 (VCV001767932.6), dbSNP rs781771386, ClinGen allele CA44957101.
Genomic context (GRCh38, chr2:29,532,099, plus strand): 5'-GCTCACTGCTGCTCCTCATCCACGGACTCAGGATGGTGTGCTTGGAGTCAGCTGAGGTGT[T>C]GAGAAGGAGAAAGGAGCCTGGAAAGAGACAGGGAAAACGAATCTGCAGATGTGTTCAGGT-3'
Protein context (NP_004295.2, residues 314-334): EMPRGSFLLL[Asn324Asp]TSADSKHTIL